The following is an entry in ClinVar:

ClinVar aggregate classification (germline): Uncertain significance (1 of 4 stars; one submission).

Conditions:
Hepatic veno-occlusive disease-immunodeficiency syndrome. Also called: Hepatic Veno-Occlusive Disease with Immunodeficiency. Identifiers: Orphanet 79124, MedGen C1856128, MONDO:0009338, OMIM 235550. Disease mechanism: loss of function.

Allele frequency attached by ClinVar (database versions not stated): gnomAD exomes below 0.00001; TOPMed below 0.00001.
gnomAD v4.1: 11 of 1,612,870 alleles (0.00068%); highest among the groups gnomAD compares: African/African-American, 0.0013%; no homozygotes.

Submission:

Labcorp Genetics (formerly Invitae), Labcorp
Classification: Uncertain significance for Hepatic veno-occlusive disease-immunodeficiency syndrome. Last evaluated: 2021-09-02. Review status: criteria provided, single submitter. Criteria: Invitae Variant Classification Sherloc (09022015). Collection method: clinical testing. Allele origin: germline.
Comment: This sequence change replaces glycine with cysteine at codon 683 of the SP110 protein (p.Gly683Cys). The glycine residue is weakly conserved and there is a large physicochemical difference between glycine and cysteine. This variant is not present in population databases (ExAC no frequency). This variant has not been reported in the literature in individuals affected with SP110-related conditions. Algorithms developed to predict the effect of missense changes on protein structure and function are either unavailable or do not agree on the potential impact of this missense change (SIFT: "Deleterious"; PolyPhen-2: "Benign"; Align-GVGD: "Class C0"). In summary, the available evidence is currently insufficient to determine the role of this variant in disease. Therefore, it has been classified as a Variant of Uncertain Significance.

NM_080424.4(SP110):c.2119G>T (p.Gly707Cys)

Gene: SP110 (SP110 nuclear body protein; minus strand). Cytogenetic location: 2q37.1.
Variant type: single nucleotide variant.
Coding change: c.2119G>T on transcript NM_080424.4 (MANE Select); coding-DNA position 2119, G replaced by T.
Protein change: p.Gly707Cys; replaces glycine 707 with cysteine.
Molecular consequence: missense variant.
Genome position (GRCh38, 1-based): chr2:230,169,147, C>A on the plus strand (G>T on the coding strand, the complement: SP110 is on the minus strand). VCF-style: chr2-230169147-C-A. GRCh37 (hg19) VCF-style: chr2-231033863-C-A.
Other names: c.2215G>T, p.Gly739Cys (NM_001378442.1); c.2197G>T, p.Gly733Cys (NM_001378443.1); c.2137G>T, p.Gly713Cys (NM_001378444.1); c.2065G>T, p.Gly689Cys (NM_001378445.1); c.1924G>T, p.Gly642Cys (NM_001378446.1); c.2047G>T, p.Gly683Cys (NM_004509.5); short protein forms G739C, G642C, G683C, G707C, G689C, G733C, G713C.
Identifiers: ClinVar variation 936093 (VCV000936093.6), dbSNP rs1423431073, ClinGen allele CA350895904.
Genomic context (GRCh38, chr2:230,169,147, plus strand): 5'-CCTGAGGTGGGGATGCTTCAGTCTTTACAGAACAGGGTCAAGGAAGAGTCCAGAAACCGC[C>A]GTCATTGGCTTCATGAAAACCGAGCACGTCTTTGAGATCTTTTTCAAATTCTGCCTCTAA-3'
Protein context (NP_536349.3, residues 697-713): DVLGFHEAND[Gly707Cys]GFWTLP